The following is an entry in ClinVar:

ClinVar aggregate classification (germline): Uncertain significance. Review status: criteria provided, multiple submitters, no conflicts (2 of 4 stars). 2 submissions from 2 submitters: Uncertain significance (2). Last evaluated 2025-01-01.

Conditions:
Autosomal dominant limb-girdle muscular dystrophy type 1F (LGMDD2). Also called: Limb-girdle muscular dystrophy, type 1F; MUSCULAR DYSTROPHY, LIMB-GIRDLE, AUTOSOMAL DOMINANT 2. Identifiers: Orphanet 55595, MedGen C1842062, MONDO:0012034, OMIM 608423.

Allele frequency attached by ClinVar (database versions not stated): gnomAD exomes below 0.00001.
gnomAD v4.1: 1 of 1,614,184 alleles (0.000062%); highest among the groups gnomAD compares: Non-Finnish European, 0.000085%; no homozygotes.

Submissions (2):

CeGaT Center for Human Genetics Tuebingen
Classification: Uncertain significance. Last evaluated: 2025-01-01. Review status: criteria provided, single submitter. Criteria: CeGaT Center For Human Genetics Tuebingen Variant Classification Criteria Version 2. Collection method: clinical testing. Allele origin: germline. Affected: yes. Observed: 1 variant allele.
Comment: TNPO3: PM2, PP2

Labcorp Genetics (formerly Invitae), Labcorp
Classification: Uncertain significance for Autosomal dominant limb-girdle muscular dystrophy type 1F. Last evaluated: 2022-08-27. Review status: criteria provided, single submitter. Criteria: Invitae Variant Classification Sherloc (09022015). Collection method: clinical testing. Allele origin: germline.
Comment: In summary, the available evidence is currently insufficient to determine the role of this variant in disease. Therefore, it has been classified as a Variant of Uncertain Significance. Algorithms developed to predict the effect of missense changes on protein structure and function are either unavailable or do not agree on the potential impact of this missense change (SIFT: "Deleterious"; PolyPhen-2: "Benign"; Align-GVGD: "Class C0"). This variant has not been reported in the literature in individuals affected with TNPO3-related conditions. This variant is not present in population databases (gnomAD no frequency). This sequence change replaces alanine, which is neutral and non-polar, with aspartic acid, which is acidic and polar, at codon 367 of the TNPO3 protein (p.Ala367Asp).

NM_012470.4(TNPO3):c.1100C>A (p.Ala367Asp)

Gene: TNPO3 (transportin 3; minus strand). Cytogenetic location: 7q32.1.
Variant type: single nucleotide variant.
Coding change: c.1100C>A on transcript NM_012470.4 (MANE Select); coding-DNA position 1100, C replaced by A.
Protein change: p.Ala367Asp; replaces alanine 367 with aspartic acid.
Molecular consequence: missense variant. On other transcripts: non-coding transcript variant (17), intron variant (1).
Genome position (GRCh38, 1-based): chr7:128,997,447, G>T on the plus strand (C>A on the coding strand, the complement: TNPO3 is on the minus strand). VCF-style: chr7-128997447-G-T. GRCh37 (hg19) VCF-style: chr7-128637501-G-T.
Other names: c.1181C>A, p.Ala394Asp (NM_001382217.1); c.1100C>A, p.Ala367Asp (NM_001382218.1, NM_001382219.1, NM_001382220.1 and 3 more transcripts); c.956C>A, p.Ala319Asp (NM_001382221.1); c.1011+2982C>A (NM_001382222.1); short protein forms A319D, A367D, A394D.
Identifiers: ClinVar variation 1933426 (VCV001933426.18), dbSNP rs1801451892, ClinGen allele CA369234956.